The following is an entry in ClinVar:

ClinVar aggregate classification (germline): Conflicting classifications of pathogenicity. Review status: criteria provided, conflicting classifications (1 of 4 stars). 6 submissions from 6 submitters: Likely pathogenic (3); Uncertain significance (2). 1 of the submissions does not count toward it. Last evaluated 2026-07-15.

Conditions:
Hematuria, benign familial, 1 (BFH1). Also called: THIN MEMBRANE NEPHROPATHY. Identifiers: MedGen CN376803, MONDO:0007709, OMIM 141200.
Autosomal recessive Alport syndrome (ATS2). Also called: ALPORT SYNDROME 2, AUTOSOMAL RECESSIVE; COL4A4 Alport Syndrome and Thin Basement Membrane Nephropathy; Alport syndrome type 2; COL4A3-Related Nephropathy. Identifiers: Orphanet 63, Orphanet 88919, MedGen C4746745, MONDO:0008762, OMIM 203780.
Alport syndrome. Also called: Hemorrhagic familial nephritis; Hemorrhagic hereditary nephritis; Congenital hereditary hematuria. Identifiers: Orphanet 63, MedGen C1567741, MONDO:0018965.

Allele frequency attached by ClinVar (database versions not stated): gnomAD exomes below 0.00001; TOPMed below 0.00001; gnomAD 0.00001.
gnomAD v4.1: 3 of 1,606,996 alleles (0.00019%); highest among the groups gnomAD compares: Admixed American, 0.0017%; no homozygotes.

Submissions (6):

3billion
Classification: Likely pathogenic for Autosomal recessive Alport syndrome. Last evaluated: 2026-07-15. Review status: criteria provided, single submitter. Criteria: ACMG Guidelines, 2015. Collection method: clinical testing. Allele origin: germline. Inheritance: Autosomal recessive inheritance. Affected: yes.
Comment: The variant is observed at an extremely low frequency in the gnomAD v4.1.0 dataset (total allele frequency: <0.001%). Predicted Consequence/Location: Intron variant In silico tools predict the variant to alter splicing and produce an abnormal transcript [SpliceAI: 0.49 (>=0.2, moderate evidence for spliceogenicity)]. The variant has been reported to be in trans (confirmed or potential) with an additional pathogenic variant or VUS in at least one similarly affected unrelated individual (3billion dataset). The variant has been reported to be associated with COL4A4-related disorder (ClinVar ID: VCV000438697.7 / PMID: 34448697 / 3billion dataset). Therefore, this variant is classified as Likely pathogenic (PM2_P, PM3_S, PP3_P, PP5_P) according to the recommendation of ACMG/AMP guideline.

Myriad Genetics, Inc.
Classification: Likely pathogenic for Alport syndrome. Last evaluated: 2026-06-15. Review status: criteria provided, single submitter. Criteria: Myriad Autosomal Dominant, Autosomal Recessive and X-Linked Classification Criteria (2023). Collection method: clinical testing. Allele origin: unknown.
Comment: NM_000092.4(COL4A4):c.4333+3A>G is an intronic variant classified as likely pathogenic in the context of Alport syndrome, COL4A4-related. c.4333+3A>G has been observed in cases with relevant disease (PMID: 34593925, 34448697, 39558648, 41059411). Relevant functional assessments of this variant are available in the literature (PMID: 41059411). c.4333+3A>G has not been observed in referenced population frequency databases. In summary, NM_000092.4(COL4A4):c.4333+3A>G is an intronic variant that has been observed more frequently in cases with the relevant disease than in healthy populations. Please note: this variant was assessed in the context of healthy population screening.

Institute of Human Genetics, Cologne University
Classification: Uncertain significance for Hematuria, benign familial, 1. Last evaluated: 2025-01-30. Review status: criteria provided, single submitter. Criteria: ACMG Guidelines, 2015. Collection method: clinical testing. Allele origin: germline. Affected: yes.

Fulgent Genetics
Classification: Likely pathogenic for Hematuria, benign familial, 1; Autosomal recessive Alport syndrome. Last evaluated: 2024-05-15. Review status: criteria provided, single submitter. Criteria: ACMG Guidelines, 2015. Collection method: clinical testing. Allele origin: germline.

GeneDx
Classification: Uncertain significance. Last evaluated: 2024-04-23. Review status: criteria provided, single submitter. Criteria: GeneDx Variant Classification Process June 2021. Collection method: clinical testing. Allele origin: germline. Affected: yes.
Comment: Not observed at significant frequency in large population cohorts (gnomAD); In silico analysis is inconclusive as to whether the variant alters gene splicing. In the absence of RNA/functional studies, the actual effect of this sequence change is unknown.; This variant is associated with the following publications: (PMID: 19675380, 34448697)

Bioscientia Institut fuer Medizinische Diagnostik GmbH, Sonic Healthcare
Classification: Uncertain significance for Autosomal recessive Alport syndrome. Last evaluated: 2017-04-20. Review status: no assertion criteria provided. Collection method: clinical testing. Allele origin: germline. Affected: yes. Not counted in ClinVar's aggregate classification.

Literature cited by the submitters: PubMed 34448697 (cited by 3billion and Myriad Genetics, Inc.); PubMed 34593925 (cited by Myriad Genetics, Inc.); PubMed 39558648 (cited by Myriad Genetics, Inc.); PubMed 41059411 (cited by Myriad Genetics, Inc.).

NM_000092.5(COL4A4):c.4333+3A>G

Gene: COL4A4 (collagen type IV alpha 4 chain; minus strand). Cytogenetic location: 2q36.3.
Variant type: single nucleotide variant.
Coding change: c.4333+3A>G on transcript NM_000092.5 (MANE Select); 3 bases into the intron after coding-DNA position 4333, A replaced by G.
Molecular consequence: intron variant.
Genome position (GRCh38, 1-based): chr2:227,012,178, T>C on the plus strand (A>G on the coding strand, the complement: COL4A4 is on the minus strand). VCF-style: chr2-227012178-T-C. GRCh37 (hg19) VCF-style: chr2-227876894-T-C.
Identifiers: ClinVar variation 438697 (VCV000438697.9), dbSNP rs1455105815, ClinGen allele CA645509119.